The following is an entry in ClinVar:

ClinVar aggregate classification (germline): Pathogenic (1 of 4 stars; one submission).

Conditions:
Maple syrup urine disease (MSUD). Identifiers: Orphanet 511, MedGen C0024776, MeSH D008375, MONDO:0009563. Disease mechanism: loss of function.

Submission:

Labcorp Genetics (formerly Invitae), Labcorp
Classification: Pathogenic for Maple syrup urine disease. Last evaluated: 2023-06-25. Review status: criteria provided, single submitter. Criteria: Invitae Variant Classification Sherloc (09022015). Collection method: clinical testing. Allele origin: germline.
Comment: This variant disrupts a region of the BCKDHB protein in which other variant(s) (p.Glu330Lys) have been determined to be pathogenic (PMID: 27507644; Invitae). This suggests that this is a clinically significant region of the protein, and that variants that disrupt it are likely to be disease-causing. For these reasons, this variant has been classified as Pathogenic. This variant has not been reported in the literature in individuals affected with BCKDHB-related conditions. This variant is not present in population databases (gnomAD no frequency). This sequence change creates a premature translational stop signal (p.Glu330Argfs*4) in the BCKDHB gene. While this is not anticipated to result in nonsense mediated decay, it is expected to disrupt the last 63 amino acid(s) of the BCKDHB protein.

Literature cited by the submitters: PubMed 27507644.

NM_183050.4(BCKDHB):c.988del (p.Glu330fs)

Gene: BCKDHB (branched chain keto acid dehydrogenase E1 subunit beta; plus strand). Cytogenetic location: 6q14.1.
Variant type: Deletion.
Coding change: c.988del on transcript NM_183050.4 (MANE Select); coding-DNA position 988, one base deleted (G; older notation c.988delG).
Protein change: p.Glu330fs; shifts the reading frame from glutamic acid 330.
Molecular consequence: frameshift variant. On other transcripts: non-coding transcript variant (6).
Genome position (GRCh38, 1-based): chr6:80,273,171, G deleted. VCF-style (leftmost placement, unchanged base first): chr6-80273170-CG-C. GRCh37 (hg19) VCF-style: chr6-80982887-CG-C.
Other names: c.988del, p.Glu330fs (NM_000056.5, NM_001424035.1, NM_001424036.1 and 5 more transcripts); c.778del, p.Glu260fs (NM_001318975.1, NM_001424043.1); short protein forms E330fs, E260fs.
Identifiers: ClinVar variation 2728723 (VCV002728723.3), dbSNP rs2482927788, ClinGen allele CA2697553589.